The following is an entry in ClinVar:

NM_004655.4(AXIN2):c.1869G>C (p.Met623Ile)

Gene: AXIN2 (axin 2; minus strand). Cytogenetic location: 17q24.1.
Variant type: single nucleotide variant.
Coding change: c.1869G>C on transcript NM_004655.4 (MANE Select); coding-DNA position 1869, G replaced by C.
Protein change: p.Met623Ile; replaces methionine 623 with isoleucine.
Molecular consequence: missense variant. On other transcripts: intron variant (1).
Genome position (GRCh38, 1-based): chr17:65,536,907, C>G on the plus strand (G>C on the coding strand, the complement: AXIN2 is on the minus strand). VCF-style: chr17-65536907-C-G. GRCh37 (hg19) VCF-style: chr17-63533025-C-G.
Other names: c.1713-354G>C (NM_001363813.1); short protein forms M623I.
Identifiers: ClinVar variation 1720456 (VCV001720456.5), dbSNP rs2144448800, ClinGen allele CA400676450.

ClinVar aggregate classification (germline): Uncertain significance (1 of 4 stars; one submission).

Conditions:
Oligodontia-cancer predisposition syndrome. Also called: TOOTH AGENESIS-COLORECTAL CANCER SYNDROME. Identifiers: Orphanet 300576, MedGen C1837750, MONDO:0012075, OMIM 608615. Disease mechanism: loss of function.

Submission:

Labcorp Genetics (formerly Invitae), Labcorp
Classification: Uncertain significance for Oligodontia-cancer predisposition syndrome. Last evaluated: 2022-09-27. Review status: criteria provided, single submitter. Criteria: Invitae Variant Classification Sherloc (09022015). Collection method: clinical testing. Allele origin: germline.
Comment: This sequence change replaces methionine, which is neutral and non-polar, with isoleucine, which is neutral and non-polar, at codon 623 of the AXIN2 protein (p.Met623Ile). This variant is not present in population databases (gnomAD no frequency). This variant has not been reported in the literature in individuals affected with AXIN2-related conditions. Advanced modeling of protein sequence and biophysical properties (such as structural, functional, and spatial information, amino acid conservation, physicochemical variation, residue mobility, and thermodynamic stability) performed at Invitae indicates that this missense variant is not expected to disrupt AXIN2 protein function. In summary, the available evidence is currently insufficient to determine the role of this variant in disease. Therefore, it has been classified as a Variant of Uncertain Significance.